The following is an entry in ClinVar:

ClinVar aggregate classification (germline): Uncertain significance (1 of 4 stars; one submission).

Conditions:
Inborn genetic diseases. Identifiers: MedGen C0950123, MeSH D030342.

Allele frequency attached by ClinVar (database versions not stated): gnomAD 0.00001; TOPMed 0.00002.
gnomAD v4.1: 2 of 1,587,560 alleles (0.00013%); highest among the groups gnomAD compares: African/African-American, 0.0027%; no homozygotes.

Submission:

Ambry Genetics
Classification: Uncertain significance for Inborn genetic diseases. Last evaluated: 2023-04-26. Review status: criteria provided, single submitter. Criteria: Ambry Variant Classification Scheme 2023. Collection method: clinical testing. Allele origin: germline.
Comment: The c.1179+4G>T intronic alteration consists of a G to T substitution nucleotides after coding exon 10 in the MTMR2 gene. Based on insufficient or conflicting evidence, the clinical significance of this alteration remains unclear.

NM_016156.6(MTMR2):c.1179+4G>T

Gene: MTMR2 (myotubularin related protein 2; minus strand). Cytogenetic location: 11q21.
Variant type: single nucleotide variant.
Coding change: c.1179+4G>T on transcript NM_016156.6 (MANE Select); 4 bases into the intron after coding-DNA position 1179, G replaced by T.
Molecular consequence: intron variant.
Genome position (GRCh38, 1-based): chr11:95,847,710, C>A on the plus strand (G>T on the coding strand, the complement: MTMR2 is on the minus strand). VCF-style: chr11-95847710-C-A. GRCh37 (hg19) VCF-style: chr11-95580874-C-A.
Other names: c.963+4G>T (NM_201281.3, NM_201278.3, NM_001243571.2).
Identifiers: ClinVar variation 2522608 (VCV002522608.2), dbSNP rs919359093, ClinGen allele CA226600791.
Genomic context (GRCh38, chr11:95,847,710, plus strand): 5'-AAAAGCTAATATAAACAAAGGGGTAGAGAGAGTCTTTGTTTGGGATATAGTAACACACAC[C>A]CACCTTAATATGTTCTAGCCAATGAGTAGATTCCAAGTTAGACAACCAGTGGGTTTCCTC-3'